The following is an entry in ClinVar:

NM_000465.4(BARD1):c.1206A>G (p.Ser402=)

Gene: BARD1 (BRCA1 associated RING domain 1; minus strand). Cytogenetic location: 2q35.
Variant type: single nucleotide variant.
Coding change: c.1206A>G on transcript NM_000465.4 (MANE Select); coding-DNA position 1206, A replaced by G.
Protein change: p.Ser402=; no amino-acid change (serine 402 retained).
Molecular consequence: synonymous variant. On other transcripts: non-coding transcript variant (2), intron variant (3).
Genome position (GRCh38, 1-based): chr2:214,780,668, T>C on the plus strand (A>G on the coding strand, the complement: BARD1 is on the minus strand). VCF-style: chr2-214780668-T-C. GRCh37 (hg19) VCF-style: chr2-215645392-T-C.
Other names: c.1149A>G, p.Ser383= (NM_001282543.2); c.159-28113A>G (NM_001282548.2); c.215+16393A>G (NM_001282545.2); c.364+11629A>G (NM_001282549.2).
Identifiers: ClinVar variation 186710 (VCV000186710.16), dbSNP rs786203162, ClinGen allele CA195628.
Genomic context (GRCh38, chr2:214,780,668, plus strand): 5'-CACAGCCATATTGGGCAACAGCTTCATTGCTGAGGGACTAGACATCACTCGCCTGTAACT[T>C]GAACTACTTAATGTAGAAGGTGGTGTACCTGGTGAAAGACTAATGAATTCATCGGACATG-3'
Protein context (NP_000456.2, residues 392-412): PGTPPSTLSS[Ser402=]SYRRVMSSPS

ClinVar aggregate classification (germline): Benign/Likely benign. Review status: criteria provided, multiple submitters, no conflicts (2 of 4 stars). 3 submissions from 3 submitters: Benign (1); Likely benign (2). Last evaluated 2024-07-24.

Conditions:
Hereditary cancer-predisposing syndrome. Also called: Neoplastic Syndromes, Hereditary; Tumor predisposition; Hereditary Cancer Syndrome; Hereditary neoplastic syndrome. Identifiers: Orphanet 140162, MedGen C0027672, MeSH D009386, MONDO:0015356.
Familial cancer of breast. Also called: BREAST CANCER, FAMILIAL; Hereditary breast cancer; hereditary breast carcinoma. Identifiers: Orphanet 227535, MedGen C0346153, MONDO:0016419, OMIM 114480. Disease mechanism: loss of function.

Allele frequency attached by ClinVar (database versions not stated): gnomAD exomes 0.00001.
gnomAD v4.1: 14 of 1,614,120 alleles (0.00087%); highest among the groups gnomAD compares: Non-Finnish European, 0.0012%; no homozygotes.

Submissions (3):

Myriad Genetics, Inc.
Classification: Benign for Familial cancer of breast. Last evaluated: 2024-07-24. Review status: criteria provided, single submitter. Criteria: Myriad Autosomal Dominant, Autosomal Recessive and X-Linked Classification Criteria (2023). Collection method: clinical testing. Allele origin: unknown.
Comment: This variant is considered benign. This variant is a silent/synonymous amino acid change and it is not expected to impact splicing.

Labcorp Genetics (formerly Invitae), Labcorp
Classification: Likely benign for Familial cancer of breast. Last evaluated: 2023-05-05. Review status: criteria provided, single submitter. Criteria: Invitae Variant Classification Sherloc (09022015). Collection method: clinical testing. Allele origin: germline.

Ambry Genetics
Classification: Likely benign for Hereditary cancer-predisposing syndrome. Last evaluated: 2014-10-22. Review status: criteria provided, single submitter. Criteria: Ambry Variant Classification Scheme 2023. Collection method: clinical testing. Allele origin: germline.